The following is an entry in ClinVar:

ClinVar aggregate classification (germline): Benign. Review status: criteria provided, multiple submitters, no conflicts (2 of 4 stars). 6 submissions from 3 submitters: Benign (6). Last evaluated 2024-07-15.

Conditions:
Fetal akinesia, respiratory insufficiency, microcephaly, polymicrogyria, and dysmorphic facies. Identifiers: MedGen C5562015, MONDO:0859204, OMIM 619602.
Developmental and epileptic encephalopathy 98. Identifiers: MedGen C5562017, MONDO:0030472, OMIM 619605.
Alternating hemiplegia of childhood 1 (AHC1). Identifiers: Orphanet 2131, MedGen C3549447, MONDO:0007087, OMIM 104290.
Migraine, familial hemiplegic, 2. Identifiers: Orphanet 569, MedGen C1865322, MONDO:0011232, OMIM 602481.

Allele frequency attached by ClinVar (database versions not stated): 1000 Genomes Project 30x 0.76733; gnomAD 0.81238 and 0.81329; 1000 Genomes Project 0.76717; gnomAD exomes 0.81949 and 0.85153; ESP Exome Variant Server 0.82173; ExAC 0.82641.

Submissions (6):

Unidad de Genómica Garrahan, Hospital de Pediatría Garrahan
Classification: Benign. Last evaluated: 2024-07-15. Review status: criteria provided, single submitter. Criteria: ACMG Guidelines, 2015. Collection method: clinical testing. Allele origin: germline. Affected: no. Observed: 87 variant alleles.
Comment: This variant is classified as Benign based on local population frequency. This variant was detected in 94% of patients studied in a panel designed for Epileptic and Developmental Encephalopathy and Progressive Myoclonus Epilepsy. Number of patients: 87. Only high quality variants are reported.

Genome-Nilou Lab
Classification: Benign for Developmental and epileptic encephalopathy 98. Last evaluated: 2021-12-05. Review status: criteria provided, single submitter. Criteria: ACMG Guidelines, 2015. Collection method: clinical testing. Allele origin: germline. Affected: no.

Genome-Nilou Lab
Classification: Benign for Fetal akinesia, respiratory insufficiency, microcephaly, polymicrogyria, and dysmorphic facies. Last evaluated: 2021-12-05. Review status: criteria provided, single submitter. Criteria: ACMG Guidelines, 2015. Collection method: clinical testing. Allele origin: germline. Affected: no.

Genome-Nilou Lab
Classification: Benign for Migraine, familial hemiplegic, 2. Last evaluated: 2021-12-05. Review status: criteria provided, single submitter. Criteria: ACMG Guidelines, 2015. Collection method: clinical testing. Allele origin: germline. Affected: no.

Genome-Nilou Lab
Classification: Benign for Alternating hemiplegia of childhood 1. Last evaluated: 2021-07-14. Review status: criteria provided, single submitter. Criteria: ACMG Guidelines, 2015. Collection method: clinical testing. Allele origin: germline. Affected: no.

GeneDx
Classification: Benign. Last evaluated: 2018-07-08. Review status: criteria provided, single submitter. Criteria: GeneDx Variant Classification Process June 2021. Collection method: clinical testing. Allele origin: germline. Affected: yes.

NM_000702.4(ATP1A2):c.1326+49dup

Gene: ATP1A2 (ATPase Na+/K+ transporting subunit alpha 2; plus strand). Cytogenetic location: 1q23.2.
Variant type: Duplication.
Coding change: c.1326+49dup on transcript NM_000702.4 (MANE Select); 49 bases into the intron after coding-DNA position 1326, one base duplicated (G; older notation c.1326+49dupG).
Molecular consequence: intron variant.
Genome position (GRCh38, 1-based): chr1:160,129,138, G duplicated. VCF-style (leftmost placement, unchanged base first): chr1-160129137-A-AG. GRCh37 (hg19) VCF-style: chr1-160098927-A-AG.
Identifiers: ClinVar variation 1192341 (VCV001192341.7), dbSNP rs5778151, ClinGen allele CA1194453.